The following is an entry in ClinVar:

NM_198490.3(RAB43):c.389-1224C>G

Genes: ISY1-RAB43 (ISY1-RAB43 readthrough; minus strand), RAB43 (RAB43, member RAS oncogene family; minus strand). Cytogenetic location: 3q21.3.
Variant type: single nucleotide variant.
Coding change: c.389-1224C>G on transcript NM_198490.3 (MANE Select); 1224 bases into the intron before coding-DNA position 389, C replaced by G.
Molecular consequence: intron variant. On other transcripts: missense variant (1).
Genome position (GRCh38, 1-based): chr3:129,092,570, G>C on the plus strand (C>G on the coding strand, the complement: RAB43 is on the minus strand). VCF-style: chr3-129092570-G-C. GRCh37 (hg19) VCF-style: chr3-128811413-G-C.
Other names: c.412C>G, p.Gln138Glu (NM_001204887.2); c.389-1224C>G (NM_001204885.1, NM_001204883.2, NM_001204884.2 and 1 more transcripts); c.*48-1224C>G (NM_001204888.2); c.*40-1224C>G (NM_001204890.2); short protein forms Q138E.
Identifiers: ClinVar variation 3029853 (VCV003029853.2), dbSNP rs1435382549, ClinGen allele CA354432688.

ClinVar aggregate classification (germline): Uncertain significance (0 of 4 stars; one submission).

Conditions:
RAB43-related disorder. Also called: RAB43-related condition.

Allele frequency attached by ClinVar (database versions not stated): gnomAD 0.00001; TOPMed 0.00001.
gnomAD v4.1: 2 of 691,780 alleles (0.00029%); highest among the groups gnomAD compares: African/African-American, 0.0035%; no homozygotes.

Submission:

PreventionGenetics, part of Exact Sciences
Classification: Uncertain significance for RAB43-related condition. Last evaluated: 2024-01-22. Review status: no assertion criteria provided. Collection method: clinical testing. Allele origin: germline.
Comment: The RAB43 c.412C>G variant is predicted to result in the amino acid substitution p.Gln138Glu. To our knowledge, this variant has not been reported in the literature. This variant is reported in 0.018% of alleles in individuals of African descent in gnomAD. This variant has not been reported in ClinVar database. At this time, the clinical significance of this variant is uncertain due to the absence of conclusive functional and genetic evidence.